The following is an entry in ClinVar:

NM_006206.6(PDGFRA):c.1092C>G (p.Thr364=)

Gene: PDGFRA (platelet derived growth factor receptor alpha; plus strand). Cytogenetic location: 4q12.
Variant type: single nucleotide variant.
Coding change: c.1092C>G on transcript NM_006206.6 (MANE Select); coding-DNA position 1092, C replaced by G.
Protein change: p.Thr364=; no amino-acid change (threonine 364 retained).
Molecular consequence: synonymous variant.
Genome position (GRCh38, 1-based): chr4:54,267,712, C>G. VCF-style: chr4-54267712-C-G. GRCh37 (hg19) VCF-style: chr4-55133879-C-G.
Other names: c.1092C>G, p.Thr364= (NM_001347827.2, NM_001347829.2); c.1167C>G, p.Thr389= (NM_001347828.2); c.1131C>G, p.Thr377= (NM_001347830.2).
Identifiers: ClinVar variation 458983 (VCV000458983.14), dbSNP rs755765009, ClinGen allele CA2922453.

ClinVar aggregate classification (germline): Benign/Likely benign. Review status: criteria provided, multiple submitters, no conflicts (2 of 4 stars). 3 submissions from 3 submitters: Benign (1); Likely benign (2). Last evaluated 2026-06-16.

Conditions:
Polyps, multiple and recurrent inflammatory fibroid, gastrointestinal. Identifiers: MedGen C5193005, MONDO:0008285, OMIM 175510.
Hereditary cancer-predisposing syndrome. Also called: Tumor predisposition; Hereditary neoplastic syndrome; Neoplastic Syndromes, Hereditary; Hereditary Cancer Syndrome. Identifiers: Orphanet 140162, MedGen C0027672, MeSH D009386, MONDO:0015356.
Gastrointestinal stromal tumor. Also called: Gastrointestinal stroma tumor; Gastrointestinal stromal tumor, somatic. Identifiers: Orphanet 44890, MedGen C0238198, MeSH D046152, MONDO:0011719, OMIM 606764, HP:0100723.

Allele frequency attached by ClinVar (database versions not stated): TOPMed below 0.00001; gnomAD 0.00001; ExAC 0.00003; gnomAD exomes 0.00003.
gnomAD v4.1: 37 of 1,613,908 alleles (0.0023%); highest among the groups gnomAD compares: Non-Finnish European, 0.0027%; no homozygotes.

Submissions (3):

Myriad Genetics, Inc.
Classification: Benign for Polyps, multiple and recurrent inflammatory fibroid, gastrointestinal. Last evaluated: 2026-06-16. Review status: criteria provided, single submitter. Criteria: Myriad Autosomal Dominant, Autosomal Recessive and X-Linked Classification Criteria (2023). Collection method: clinical testing. Allele origin: unknown.
Comment: This variant is considered benign. This variant is a silent/synonymous amino acid change and it is not expected to impact splicing.

Labcorp Genetics (formerly Invitae), Labcorp
Classification: Likely benign for Gastrointestinal stromal tumor. Last evaluated: 2025-07-08. Review status: criteria provided, single submitter. Criteria: Invitae Variant Classification Sherloc (09022015). Collection method: clinical testing. Allele origin: germline.

Ambry Genetics
Classification: Likely benign for Hereditary cancer-predisposing syndrome. Last evaluated: 2022-04-08. Review status: criteria provided, single submitter. Criteria: Ambry Variant Classification Scheme 2023. Collection method: clinical testing. Allele origin: germline.